The following is an entry in ClinVar:

NM_001042492.3(NF1):c.7120A>G (p.Met2374Val)

Gene: NF1 (neurofibromin 1; plus strand). Cytogenetic location: 17q11.2.
Variant type: single nucleotide variant.
Coding change: c.7120A>G on transcript NM_001042492.3 (MANE Select); coding-DNA position 7120, A replaced by G.
Protein change: p.Met2374Val; replaces methionine 2374 with valine.
Molecular consequence: missense variant.
Genome position (GRCh38, 1-based): chr17:31,343,066, A>G. VCF-style: chr17-31343066-A-G. GRCh37 (hg19) VCF-style: chr17-29670084-A-G.
Other names: c.7057A>G, p.Met2353Val (NM_000267.4); short protein forms M2374V, M2353V.
Identifiers: ClinVar variation 963287 (VCV000963287.6), dbSNP rs2069867800, ClinGen allele CA399015631.

ClinVar aggregate classification (germline): Uncertain significance (1 of 4 stars; one submission).

Conditions:
Neurofibromatosis, type 1 (NF1). Also called: Peripheral type neurofibromatosis; VON RECKLINGHAUSEN DISEASE; NEUROFIBROMATOSIS, TYPE I, SOMATIC; Neurofibromatosis, type I. Identifiers: Orphanet 636, MedGen C0027831, MONDO:0018975, OMIM 162200. Disease mechanism: loss of function.

Submission:

Labcorp Genetics (formerly Invitae), Labcorp
Classification: Uncertain significance for Neurofibromatosis, type 1. Last evaluated: 2024-02-14. Review status: criteria provided, single submitter. Criteria: Invitae Variant Classification Sherloc (09022015). Collection method: clinical testing. Allele origin: germline.
Comment: This sequence change replaces methionine, which is neutral and non-polar, with valine, which is neutral and non-polar, at codon 2353 of the NF1 protein (p.Met2353Val). This variant is not present in population databases (gnomAD no frequency). This variant has not been reported in the literature in individuals affected with NF1-related conditions. ClinVar contains an entry for this variant (Variation ID: 963287). Advanced modeling of protein sequence and biophysical properties (such as structural, functional, and spatial information, amino acid conservation, physicochemical variation, residue mobility, and thermodynamic stability) has been performed at Invitae for this missense variant, however the output from this modeling did not meet the statistical confidence thresholds required to predict the impact of this variant on NF1 protein function. In summary, the available evidence is currently insufficient to determine the role of this variant in disease. Therefore, it has been classified as a Variant of Uncertain Significance.